The following is an entry in ClinVar:

ClinVar aggregate classification (germline): Uncertain significance. Review status: criteria provided, multiple submitters, no conflicts (2 of 4 stars). 3 submissions from 3 submitters: Uncertain significance (3). Last evaluated 2025-05-23.

Conditions:
Catecholaminergic polymorphic ventricular tachycardia 1. Also called: VENTRICULAR TACHYCARDIA, STRESS-INDUCED POLYMORPHIC 1; RYR2-Related Catecholaminergic Polymorphic Ventricular Tachycardia; VENTRICULAR TACHYCARDIA, CATECHOLAMINERGIC POLYMORPHIC, 1, WITH OR WITHOUT ATRIAL DYSFUNCTION AND/OR DILATED CARDIOMYOPATHY. Identifiers: Orphanet 3286, MedGen C1631597, MONDO:0011484, OMIM 604772.
Cardiovascular phenotype. Identifiers: MedGen CN230736.
Catecholaminergic polymorphic ventricular tachycardia (CVPT). Also called: Catecholamine-induced polymorphic ventricular tachycardia. Identifiers: Orphanet 3286, MedGen C5574922, MONDO:0017990.

Allele frequency attached by ClinVar (database versions not stated): TOPMed 0.00001.
gnomAD v4.1: 3 of 1,613,748 alleles (0.00019%); highest among the groups gnomAD compares: Admixed American, 0.0033%; no homozygotes.

Submissions (3):

Labcorp Genetics (formerly Invitae), Labcorp
Classification: Uncertain significance for Catecholaminergic polymorphic ventricular tachycardia 1. Last evaluated: 2025-05-23. Review status: criteria provided, single submitter. Criteria: Invitae Variant Classification Sherloc (09022015). Collection method: clinical testing. Allele origin: germline.
Comment: This sequence change replaces glycine, which is neutral and non-polar, with valine, which is neutral and non-polar, at codon 2647 of the RYR2 protein (p.Gly2647Val). This variant is not present in population databases (gnomAD no frequency). This variant has not been reported in the literature in individuals affected with RYR2-related conditions. ClinVar contains an entry for this variant (Variation ID: 954944). Invitae Evidence Modeling of protein sequence and biophysical properties (such as structural, functional, and spatial information, amino acid conservation, physicochemical variation, residue mobility, and thermodynamic stability) indicates that this missense variant is expected to disrupt RYR2 protein function with a positive predictive value of 95%. In summary, the available evidence is currently insufficient to determine the role of this variant in disease. Therefore, it has been classified as a Variant of Uncertain Significance.

Ambry Genetics
Classification: Uncertain significance for Cardiovascular phenotype. Last evaluated: 2024-03-30. Review status: criteria provided, single submitter. Criteria: Ambry Variant Classification Scheme 2023. Collection method: clinical testing. Allele origin: germline.
Comment: The p.G2647V variant (also known as c.7940G>T), located in coding exon 52 of the RYR2 gene, results from a G to T substitution at nucleotide position 7940. The glycine at codon 2647 is replaced by valine, an amino acid with dissimilar properties. This amino acid position is highly conserved in available vertebrate species. In addition, this alteration is predicted to be deleterious by in silico analysis. Based on the available evidence, the clinical significance of this alteration remains unclear.

All of Us Research Program, National Institutes of Health
Classification: Uncertain significance for Catecholaminergic polymorphic ventricular tachycardia. Last evaluated: 2023-11-02. Review status: criteria provided, single submitter. Criteria: ACMG Guidelines, 2015. Collection method: clinical testing. Allele origin: germline. Inheritance: Autosomal dominant inheritance. Observed: 1 variant allele, 1 heterozygote.
Comment: This missense variant replaces glycine with valine at codon 2647 of the RYR2 protein. Computational prediction suggests that this variant may have deleterious impact on protein structure and function (internally defined REVEL score threshold >= 0.7, PMID: 27666373). To our knowledge, functional studies have not been reported for this variant. This variant has not been reported in individuals affected with RYR2-related disorders in the literature. This variant has not been identified in the general population by the Genome Aggregation Database (gnomAD). The available evidence is insufficient to determine the role of this variant in disease conclusively. Therefore, this variant is classified as a Variant of Uncertain Significance.

This study involves interpretation of variants in research participants for the purpose of population health screening. Participant phenotype was not available at the time of variant classification. Additional details can be found in publication PMID: 35346344, PMCID: PMC8962531

NM_001035.3(RYR2):c.7940G>T (p.Gly2647Val)

Gene: RYR2 (ryanodine receptor 2; plus strand). Cytogenetic location: 1q43.
Variant type: single nucleotide variant.
Coding change: c.7940G>T on transcript NM_001035.3 (MANE Select); coding-DNA position 7940, G replaced by T.
Protein change: p.Gly2647Val; replaces glycine 2647 with valine.
Molecular consequence: missense variant.
Genome position (GRCh38, 1-based): chr1:237,654,389, G>T. VCF-style: chr1-237654389-G-T. GRCh37 (hg19) VCF-style: chr1-237817689-G-T.
Other names: short protein forms G2647V.
Identifiers: ClinVar variation 954944 (VCV000954944.12), dbSNP rs776908944, ClinGen allele CA39801228.